The following is an entry in ClinVar:

NM_182914.3(SYNE2):c.10079A>G (p.Asn3360Ser)

Gene: SYNE2 (spectrin repeat containing nuclear envelope protein 2; plus strand). Cytogenetic location: 14q23.2.
Variant type: single nucleotide variant.
Coding change: c.10079A>G on transcript NM_182914.3 (MANE Select); coding-DNA position 10079, A replaced by G.
Protein change: p.Asn3360Ser; replaces asparagine 3360 with serine.
Molecular consequence: missense variant.
Genome position (GRCh38, 1-based): chr14:64,062,762, A>G. VCF-style: chr14-64062762-A-G. GRCh37 (hg19) VCF-style: chr14-64529480-A-G.
Other names: c.10079A>G, p.Asn3360Ser (NM_015180.6); short protein forms N3360S.
Identifiers: ClinVar variation 4808693 (VCV004808693.1).

ClinVar aggregate classification (germline): Uncertain significance (1 of 4 stars; one submission).

Conditions:
Emery-Dreifuss muscular dystrophy 5, autosomal dominant (EDMD5). Also called: EMERY-DREIFUSS MUSCULAR DYSTROPHY 5. Identifiers: Orphanet 261, MedGen C2751805, MONDO:0013072, OMIM 612999.

gnomAD v4.1: 40 of 1,613,744 alleles (0.0025%); highest among the groups gnomAD compares: Non-Finnish European, 0.0034%; no homozygotes.

Submission:

Labcorp Genetics (formerly Invitae), Labcorp
Classification: Uncertain significance for Emery-Dreifuss muscular dystrophy 5, autosomal dominant. Last evaluated: 2025-06-01. Review status: criteria provided, single submitter. Criteria: Invitae Variant Classification Sherloc (09022015). Collection method: clinical testing. Allele origin: germline.
Comment: This sequence change replaces asparagine, which is neutral and polar, with serine, which is neutral and polar, at codon 3360 of the SYNE2 protein (p.Asn3360Ser). The frequency data for this variant in the population databases is considered unreliable, as metrics indicate poor data quality at this position in the gnomAD database. This variant has not been reported in the literature in individuals affected with SYNE2-related conditions. An algorithm developed to predict the effect of missense changes on protein structure and function outputs the following: PolyPhen-2: "Benign". The serine amino acid residue is found in multiple mammalian species, which suggests that this missense change does not adversely affect protein function. In summary, the available evidence is currently insufficient to determine the role of this variant in disease. Therefore, it has been classified as a Variant of Uncertain Significance.